The following is an entry in ClinVar:

ClinVar aggregate classification (germline): Pathogenic (1 of 4 stars; one submission).

Submission:

ISCA site 4
Classification: Pathogenic. Last evaluated: 2011-08-12. Review status: criteria provided, single submitter. Criteria: Kaminsky et al. (Genet Med. 2011). Collection method: clinical testing. Allele origin: unknown. Affected: yes. Observed: 2 variant alleles.
Comment: Copy number variation identified through the course of routine clinical cytogenomic testing in postnatal populations. Clinical assertions have been curated as described in Kaminsky et al. 2011.

GRCh38/hg38 15q13.2-13.3(chr15:30438310-32217725)x1

Genes: LINC02352 (long intergenic non-protein coding RNA 2352; plus strand), MIR211 (microRNA 211; minus strand), MTMR10 (myotubularin related protein 10; minus strand), LINC03034 (long intergenic non-protein coding RNA 3034; minus strand), ARHGAP11B (Rho GTPase activating protein 11B) and 29 more. Cytogenetic location: 15q13.2-13.3.
Variant type: copy number loss.
Change: copy number 1 (one copy instead of two) of chr15:30,438,310-32,217,725 (1.78 Mb, GRCh38 coordinates, 1-based), cytogenetic band 15q13.2-13.3.
Identifiers: ClinVar variation 56994 (VCV000056994.1).